The following is an entry in ClinVar:

ClinVar aggregate classification (germline): Pathogenic. Review status: no assertion criteria provided (0 of 4 stars). 2 submissions from 2 submitters: Pathogenic (2). Last evaluated 2011-02-10.

Conditions:
Infantile-onset ascending hereditary spastic paralysis (IAHSP). Also called: Autosomal Recessive Juvenile Amyotrophic Lateral Sclerosis; Infantile-Onset Ascending Hereditary Spastic Paralysis (IAHSP). Identifiers: Orphanet 293168, MedGen C2931441, MONDO:0011797, OMIM 607225. Disease mechanism: loss of function.

Submissions (2):

GeneReviews
Classification: Pathogenic for ALS2-Related Disorders. Last evaluated: 2011-02-10. Review status: no assertion criteria provided. Collection method: curation. Allele origin: unknown.
ClinVar note: Converted during submission from pathologic to Pathogenic.

OMIM
Classification: Pathogenic for SPASTIC PARALYSIS, INFANTILE-ONSET ASCENDING. Last evaluated: 2002-09-01. Review status: no assertion criteria provided. Collection method: literature only. Allele origin: germline.

Literature cited by the submitters: PubMed 12145748 (cited by OMIM).

NM_020919.4(ALS2):c.2537_2538del (p.Asn846fs)

Gene: ALS2 (alsin Rho guanine nucleotide exchange factor ALS2; minus strand). Cytogenetic location: 2q33.1.
Variant type: Deletion.
Coding change: c.2537_2538del on transcript NM_020919.4 (MANE Select); coding-DNA positions 2537 to 2538, 2 bases deleted (AT; older notation c.2537_2538delAT).
Protein change: p.Asn846fs; shifts the reading frame from asparagine 846.
Molecular consequence: frameshift variant.
Genome position (GRCh38, 1-based): chr2:201,733,318-201,733,319, AT deleted on the plus strand (AT on the coding strand, the reverse complement: ALS2 is on the minus strand). VCF-style (leftmost placement, unchanged base first): chr2-201733317-AAT-A. GRCh37 (hg19) VCF-style: chr2-202598040-AAT-A.
Other names: c.2537_2538delAT(2660delAT); short protein forms N846fs.
Identifiers: ClinVar variation 4410 (VCV000004410.3), dbSNP rs386134183, ClinGen allele CA340245.
Genomic context (GRCh38, chr2:201,733,317, plus strand): 5'-GGTATACATGGGAGCTTACCACTTCAAAACAAGTAGCAAGCTTTAGCAAAACTTTTGCGT[AAT>A]TATGAAGTCGTCTGATTGGCAAGAAAAACAAAGTATTCAGTATTTCCATCAACTGAGTGT-3'